The following is an entry in ClinVar:

NM_173728.4(ARHGEF15):c.406G>A (p.Gly136Arg)

Gene: ARHGEF15 (Rho guanine nucleotide exchange factor 15; plus strand). Cytogenetic location: 17p13.1.
Variant type: single nucleotide variant.
Coding change: c.406G>A on transcript NM_173728.4 (MANE Select); coding-DNA position 406, G replaced by A.
Protein change: p.Gly136Arg; replaces glycine 136 with arginine.
Molecular consequence: missense variant.
Genome position (GRCh38, 1-based): chr17:8,312,445, G>A. VCF-style: chr17-8312445-G-A. GRCh37 (hg19) VCF-style: chr17-8215763-G-A.
Other names: c.406G>A, p.Gly136Arg (NM_025014.2); short protein forms G136R.
Identifiers: ClinVar variation 651273 (VCV000651273.11), dbSNP rs1597460709, ClinGen allele CA398014496.
Genomic context (GRCh38, chr17:8,312,445, plus strand): 5'-TCTCCAGTCCCCCCACCCAAGCCGTCTGGGTCACCCTGCACGCCTCTGCTCCCCATGGCT[G>A]GAGTCCTGGCTCAGAATGGCTCTGCCTCAGCTCCTGGCACTGTGCGGAGGCTGGCTGGCA-3'
Protein context (NP_776089.2, residues 126-146): SPCTPLLPMA[Gly136Arg]VLAQNGSASA

ClinVar aggregate classification (germline): Uncertain significance. Review status: criteria provided, multiple submitters, no conflicts (2 of 4 stars). 2 submissions from 2 submitters: Uncertain significance (2). Last evaluated 2023-03-22.

Conditions:
Early-infantile DEE. Also called: Early infantile epileptic encephalopathy with suppression bursts; Early infantile epileptic encephalopathy; Ohtahara syndrome. Identifiers: Orphanet 1934, MedGen C0393706, MONDO:0800491.

Allele frequency attached by ClinVar (database versions not stated): gnomAD exomes below 0.00001.
gnomAD v4.1: 1 of 1,613,758 alleles (0.000062%); highest among the groups gnomAD compares: Non-Finnish European, 0.000085%; no homozygotes.

Submissions (2):

Ambry Genetics
Classification: Uncertain significance. Last evaluated: 2023-03-22. Review status: criteria provided, single submitter. Criteria: Ambry Variant Classification Scheme 2023. Collection method: clinical testing. Allele origin: germline.

Labcorp Genetics (formerly Invitae), Labcorp
Classification: Uncertain significance for Early-infantile DEE. Last evaluated: 2022-08-23. Review status: criteria provided, single submitter. Criteria: Invitae Variant Classification Sherloc (09022015). Collection method: clinical testing. Allele origin: germline.
Comment: This sequence change replaces glycine, which is neutral and non-polar, with arginine, which is basic and polar, at codon 136 of the ARHGEF15 protein (p.Gly136Arg). This variant is not present in population databases (gnomAD no frequency). This variant has not been reported in the literature in individuals affected with ARHGEF15-related conditions. ClinVar contains an entry for this variant (Variation ID: 651273). Algorithms developed to predict the effect of missense changes on protein structure and function output the following: SIFT: "Tolerated"; PolyPhen-2: "Benign"; Align-GVGD: "Class C0". The arginine amino acid residue is found in multiple mammalian species, which suggests that this missense change does not adversely affect protein function. Algorithms developed to predict the effect of sequence changes on RNA splicing suggest that this variant may create or strengthen a splice site. In summary, the available evidence is currently insufficient to determine the role of this variant in disease. Therefore, it has been classified as a Variant of Uncertain Significance.